The following is an entry in ClinVar:

NM_000085.5(CLCNKB):c.1316T>C (p.Leu439Pro)

Genes: CLCNKB (chloride voltage-gated channel Kb; plus strand), LOC106501713 (CLCNKB recombination region; plus strand). Cytogenetic location: 1p36.13.
Variant type: single nucleotide variant.
Coding change: c.1316T>C on transcript NM_000085.5 (MANE Select); coding-DNA position 1316, T replaced by C.
Protein change: p.Leu439Pro; replaces leucine 439 with proline.
Molecular consequence: missense variant.
Genome position (GRCh38, 1-based): chr1:16,051,728, T>C. VCF-style: chr1-16051728-T-C. GRCh37 (hg19) VCF-style: chr1-16378223-T-C.
Other names: c.809T>C, p.Leu270Pro (NM_001165945.2); short protein forms L270P, L439P.
Identifiers: ClinVar variation 2733833 (VCV002733833.4), dbSNP rs139909733, ClinGen allele CA623814.

ClinVar aggregate classification (germline): Likely pathogenic. Review status: criteria provided, multiple submitters, no conflicts (2 of 4 stars). 2 submissions from 2 submitters: Likely pathogenic (2). Last evaluated 2024-02-07.

Conditions:
Bartter disease type 3. Also called: Bartter syndrome type 3. Identifiers: Orphanet 112, Orphanet 93605, MedGen C1846343, MONDO:0011822, OMIM 607364.
Bartter disease type 4B. Also called: BARTTER SYNDROME, TYPE 4B, NEONATAL, WITH SENSORINEURAL DEAFNESS; BARTTER SYNDROME, TYPE 4B; Bartter syndrome, type 4b, digenic. Identifiers: Orphanet 112, MedGen C4310805, MONDO:0000909, OMIM 613090.

Allele frequency attached by ClinVar (database versions not stated): ExAC 0.00001; gnomAD 0.00003; gnomAD exomes 0.00003; TOPMed 0.00003; ESP Exome Variant Server 0.00015.
gnomAD v4.1: 45 of 1,613,774 alleles (0.0028%); highest among the groups gnomAD compares: Non-Finnish European, 0.0034%; no homozygotes.

Submissions (2):

Fulgent Genetics
Classification: Likely pathogenic for Bartter disease type 3; Bartter disease type 4B. Last evaluated: 2024-02-07. Review status: criteria provided, single submitter. Criteria: ACMG Guidelines, 2015. Collection method: clinical testing. Allele origin: germline.

Labcorp Genetics (formerly Invitae), Labcorp
Classification: Likely pathogenic. Last evaluated: 2023-10-04. Review status: criteria provided, single submitter. Criteria: Invitae Variant Classification Sherloc (09022015). Collection method: clinical testing. Allele origin: germline.
Comment: This sequence change replaces leucine, which is neutral and non-polar, with proline, which is neutral and non-polar, at codon 439 of the CLCNKB protein (p.Leu439Pro). This variant is present in population databases (rs139909733, gnomAD 0.004%). This missense change has been observed in individual(s) with Bartter syndrome (PMID: 23703872, 34345425). In at least one individual the data is consistent with being in trans (on the opposite chromosome) from a pathogenic variant. Advanced modeling of protein sequence and biophysical properties (such as structural, functional, and spatial information, amino acid conservation, physicochemical variation, residue mobility, and thermodynamic stability) performed at Invitae indicates that this missense variant is expected to disrupt CLCNKB protein function. Experimental studies have shown that this missense change affects CLCNKB function (PMID: 23703872). In summary, the currently available evidence indicates that the variant is pathogenic, but additional data are needed to prove that conclusively. Therefore, this variant has been classified as Likely Pathogenic.

Literature cited by the submitters: PubMed 23703872 (cited by Labcorp Genetics (formerly Invitae), Labcorp); PubMed 34345425 (cited by Labcorp Genetics (formerly Invitae), Labcorp).